The following is an entry in ClinVar:

NM_000059.4(BRCA2):c.5790dup (p.Gln1931fs)

Gene: BRCA2 (BRCA2 DNA repair associated; plus strand). Cytogenetic location: 13q13.1.
Variant type: Duplication.
Coding change: c.5790dup on transcript NM_000059.4 (MANE Select); coding-DNA position 5790, one base duplicated (A; older notation c.5790dupA).
Protein change: p.Gln1931fs; shifts the reading frame from glutamine 1931.
Molecular consequence: frameshift variant.
Genome position (GRCh38, 1-based): chr13:32,340,145, A duplicated. VCF-style (leftmost placement, unchanged base first): chr13-32340144-T-TA. GRCh37 (hg19) VCF-style: chr13-32914281-T-TA.
Other names: short protein forms Q1931fs.
Identifiers: ClinVar variation 988483 (VCV000988483.26), dbSNP rs2072538550, ClinGen allele CA1139663226.

ClinVar aggregate classification (germline): Pathogenic. Review status: criteria provided, multiple submitters, no conflicts (2 of 4 stars). 4 submissions from 4 submitters: Pathogenic (3). 1 of the submissions does not count toward it. Last evaluated 2024-11-13.

Conditions:
Hereditary breast ovarian cancer syndrome. Also called: Hereditary breast and ovarian cancer; Hereditary breast and/or ovarian cancer syndrome; Hereditary breast and ovarian cancer syndrome; Hereditary breast and ovarian cancer syndrome (HBOC); Breast and ovarian cancer; BRCA1- and BRCA2-Associated Hereditary Breast and Ovarian Cancer. Identifiers: Orphanet 145, MedGen C0677776, MeSH D061325, MONDO:0003582. Disease mechanism: loss of function.
Breast-ovarian cancer, familial, susceptibility to, 2 (BROVCA2). Also called: BRCA2 Hereditary Breast and Ovarian Cancer. Identifiers: Orphanet 145, MedGen C2675520, MONDO:0012933, OMIM 612555. Disease mechanism: loss of function.

Submissions (4):

Myriad Genetics, Inc.
Classification: Pathogenic for Breast-ovarian cancer, familial, susceptibility to, 2. Last evaluated: 2024-11-13. Review status: criteria provided, single submitter. Criteria: Myriad Autosomal Dominant, Autosomal Recessive and X-Linked Classification Criteria (2023). Collection method: clinical testing. Allele origin: unknown.
Comment: This variant is considered pathogenic. This variant creates a frameshift predicted to result in premature protein truncation.

Labcorp Genetics (formerly Invitae), Labcorp
Classification: Pathogenic for Hereditary breast ovarian cancer syndrome. Last evaluated: 2023-06-29. Review status: criteria provided, single submitter. Criteria: Invitae Variant Classification Sherloc (09022015). Collection method: clinical testing. Allele origin: germline.
Comment: This variant has not been reported in the literature in individuals affected with BRCA2-related conditions. This variant is not present in population databases (gnomAD no frequency). This sequence change creates a premature translational stop signal (p.Gln1931Thrfs*3) in the BRCA2 gene. It is expected to result in an absent or disrupted protein product. Loss-of-function variants in BRCA2 are known to be pathogenic (PMID: 20104584). ClinVar contains an entry for this variant (Variation ID: 988483). For these reasons, this variant has been classified as Pathogenic.

Clinical Genetics and Genomics, Karolinska University Hospital
Classification: Pathogenic. Last evaluated: 2016-01-26. Review status: criteria provided, single submitter. Criteria: ACMG Guidelines, 2015. Collection method: clinical testing. Allele origin: germline. Affected: yes. Observed: 3 variant alleles.

BRCAlab, Lund University
Classification: Pathogenic for Breast-ovarian cancer, familial, susceptibility to, 2. Last evaluated: 2022-08-26. Review status: no assertion criteria provided. Collection method: clinical testing. Allele origin: germline. Affected: yes. Not counted in ClinVar's aggregate classification.

Literature cited by the submitters: PubMed 20104584 (cited by Labcorp Genetics (formerly Invitae), Labcorp).